The following is an entry in ClinVar:

ClinVar aggregate classification (germline): Uncertain significance (1 of 4 stars; one submission).

Submission:

Laboratory for Molecular Medicine, Mass General Brigham Personalized Medicine
Classification: Uncertain significance. Last evaluated: 2014-03-19. Review status: criteria provided, single submitter. Criteria: LMM Criteria. Collection method: clinical testing. Allele origin: germline. Observed: 1 variant allele.
Comment: The Asn13083Asp variant in TTN has not been previously reported in individuals w ith cardiomyopathy or in large population studies. Computational prediction tool s and conservation analysis do not provide strong support for or against an impa ct to the protein. Additional information is needed to fully assess the clinical significance of the Asn13083Asp variant.

NM_001267550.2(TTN):c.46951A>G (p.Asn15651Asp)

Genes: TTN (titin; minus strand), TTN-AS1 (TTN antisense RNA 1; plus strand). Cytogenetic location: 2q31.2.
Variant type: single nucleotide variant.
Coding change: c.46951A>G on transcript NM_001267550.2 (MANE Select); coding-DNA position 46951, A replaced by G.
Protein change: p.Asn15651Asp; replaces asparagine 15651 with aspartic acid.
Molecular consequence: missense variant.
Genome position (GRCh38, 1-based): chr2:178,618,599, T>C on the plus strand (A>G on the coding strand, the complement: TTN is on the minus strand). VCF-style: chr2-178618599-T-C. GRCh37 (hg19) VCF-style: chr2-179483326-T-C.
Other names: c.39247A>G, p.Asn13083Asp (NM_133378.4); c.42028A>G, p.Asn14010Asp (NM_001256850.1); c.19756A>G, p.Asn6586Asp (NM_003319.4); c.20131A>G, p.Asn6711Asp (NM_133432.3); c.20332A>G, p.Asn6778Asp (NM_133437.4); short protein forms N13083D, N15651D, N14010D, N6586D, N6711D, N6778D.
Identifiers: ClinVar variation 179665 (VCV000179665.5), dbSNP rs727505035, ClinGen allele CA184880.